The following is an entry in ClinVar:

ClinVar aggregate classification (germline): Uncertain significance (1 of 4 stars; one submission).

Conditions:
Gastrointestinal stromal tumor. Also called: Gastrointestinal stromal tumor, somatic; Gastrointestinal stroma tumor. Identifiers: Orphanet 44890, MedGen C0238198, MeSH D046152, MONDO:0011719, OMIM 606764, HP:0100723.

Allele frequency attached by ClinVar (database versions not stated): TOPMed below 0.00001; ExAC 0.00001; gnomAD exomes 0.00001.
gnomAD v4.1: 11 of 1,613,562 alleles (0.00068%); highest among the groups gnomAD compares: South Asian, 0.011%; no homozygotes.

Submission:

Labcorp Genetics (formerly Invitae), Labcorp
Classification: Uncertain significance for Gastrointestinal stromal tumor. Last evaluated: 2025-05-01. Review status: criteria provided, single submitter. Criteria: Invitae Variant Classification Sherloc (09022015). Collection method: clinical testing. Allele origin: germline.
Comment: This sequence change falls in intron 1 of the KIT gene. It does not directly change the encoded amino acid sequence of the KIT protein. It affects a nucleotide within the consensus splice site. This variant is present in population databases (rs761755791, gnomAD 0.01%). This variant has not been reported in the literature in individuals affected with KIT-related conditions. ClinVar contains an entry for this variant (Variation ID: 1944291). Variants that disrupt the consensus splice site are a relatively common cause of aberrant splicing (PMID: 17576681, 9536098). Algorithms developed to predict the effect of sequence changes on RNA splicing suggest that this variant is not likely to affect RNA splicing. In summary, the available evidence is currently insufficient to determine the role of this variant in disease. Therefore, it has been classified as a Variant of Uncertain Significance.

Literature cited by the submitters: PubMed 17576681; PubMed 9536098.

NM_000222.3(KIT):c.67+6A>G

Gene: KIT (KIT proto-oncogene, receptor tyrosine kinase; plus strand). Cytogenetic location: 4q12.
Variant type: single nucleotide variant.
Coding change: c.67+6A>G on transcript NM_000222.3 (MANE Select); 6 bases into the intron after coding-DNA position 67, A replaced by G.
Molecular consequence: intron variant.
Genome position (GRCh38, 1-based): chr4:54,658,087, A>G. VCF-style: chr4-54658087-A-G. GRCh37 (hg19) VCF-style: chr4-55524254-A-G.
Other names: c.67+6A>G (NM_001385284.1, NM_001385290.1, NM_001385288.1 and 4 more transcripts).
Identifiers: ClinVar variation 1944291 (VCV001944291.5), dbSNP rs761755791, ClinGen allele CA2923125.